The following is an entry in ClinVar:

NM_001256864.2(DNAJC6):c.1447T>C (p.Phe483Leu)

Gene: DNAJC6 (DnaJ heat shock protein family (Hsp40) member C6; plus strand). Cytogenetic location: 1p31.3.
Variant type: single nucleotide variant.
Coding change: c.1447T>C on transcript NM_001256864.2 (MANE Select); coding-DNA position 1447, T replaced by C.
Protein change: p.Phe483Leu; replaces phenylalanine 483 with leucine.
Molecular consequence: missense variant.
Genome position (GRCh38, 1-based): chr1:65,389,606, T>C. VCF-style: chr1-65389606-T-C. GRCh37 (hg19) VCF-style: chr1-65855289-T-C.
Other names: c.1237T>C, p.Phe413Leu (NM_001256865.2); c.1276T>C, p.Phe426Leu (NM_014787.4); short protein forms F426L, F413L, F483L.
Identifiers: ClinVar variation 4725885 (VCV004725885.1).

ClinVar aggregate classification (germline): Uncertain significance (1 of 4 stars; one submission).

Conditions:
Juvenile onset Parkinson disease 19A. Also called: PARK19; DNAJC6 Parkinson Disease. Identifiers: Orphanet 391411, MedGen C3809811, MONDO:0014231, OMIM 615528.

Submission:

Labcorp Genetics (formerly Invitae), Labcorp
Classification: Uncertain significance for Juvenile onset Parkinson disease 19A. Last evaluated: 2025-09-11. Review status: criteria provided, single submitter. Criteria: Invitae Variant Classification Sherloc (09022015). Collection method: clinical testing. Allele origin: germline.
Comment: This sequence change replaces phenylalanine, which is neutral and non-polar, with leucine, which is neutral and non-polar, at codon 483 of the DNAJC6 protein (p.Phe483Leu). This variant is not present in population databases (gnomAD no frequency). This variant has not been reported in the literature in individuals affected with DNAJC6-related conditions. An algorithm developed to predict the effect of missense changes on protein structure and function (PolyPhen-2) suggests that this variant is likely to be tolerated. In summary, the available evidence is currently insufficient to determine the role of this variant in disease. Therefore, it has been classified as a Variant of Uncertain Significance.